The following is an entry in ClinVar:

ClinVar aggregate classification (germline): Uncertain significance (1 of 4 stars; one submission).

Conditions:
Tuberous sclerosis 2 (TSC2). Identifiers: Orphanet 805, MedGen C1860707, MONDO:0013199, OMIM 613254.

gnomAD v4.1: 1 of 1,606,196 alleles (0.000062%); highest among the groups gnomAD compares: Non-Finnish European, 0.000085%; no homozygotes.

Submission:

Labcorp Genetics (formerly Invitae), Labcorp
Classification: Uncertain significance for Tuberous sclerosis 2. Last evaluated: 2025-07-30. Review status: criteria provided, single submitter. Criteria: Invitae Variant Classification Sherloc (09022015). Collection method: clinical testing. Allele origin: germline.
Comment: This sequence change replaces serine, which is neutral and polar, with asparagine, which is neutral and polar, at codon 1454 of the TSC2 protein (p.Ser1454Asn). This variant is not present in population databases (gnomAD no frequency). This variant has not been reported in the literature in individuals affected with TSC2-related conditions. ClinVar contains an entry for this variant (Variation ID: 579637). Invitae Evidence Modeling of protein sequence and biophysical properties (such as structural, functional, and spatial information, amino acid conservation, physicochemical variation, residue mobility, and thermodynamic stability) indicates that this missense variant is not expected to disrupt TSC2 protein function with a negative predictive value of 95%. In summary, the available evidence is currently insufficient to determine the role of this variant in disease. Therefore, it has been classified as a Variant of Uncertain Significance.

NM_000548.5(TSC2):c.4361G>A (p.Ser1454Asn)

Gene: TSC2 (TSC complex subunit 2; plus strand). Cytogenetic location: 16p13.3.
Variant type: single nucleotide variant.
Coding change: c.4361G>A on transcript NM_000548.5 (MANE Select); coding-DNA position 4361, G replaced by A.
Protein change: p.Ser1454Asn; replaces serine 1454 with asparagine.
Molecular consequence: missense variant.
Genome position (GRCh38, 1-based): chr16:2,084,583, G>A. VCF-style: chr16-2084583-G-A. GRCh37 (hg19) VCF-style: chr16-2134584-G-A.
Other names: c.4160G>A, p.Ser1387Asn (NM_001077183.3); c.4292G>A, p.Ser1431Asn (NM_001114382.3); c.4052G>A, p.Ser1351Asn (NM_001318827.2); c.4016G>A, p.Ser1339Asn (NM_001318829.2); c.3629G>A, p.Ser1210Asn (NM_001318831.2); c.4193G>A, p.Ser1398Asn (NM_001318832.2); c.4163G>A, p.Ser1388Asn (NM_001363528.2); c.4229G>A, p.Ser1410Asn (NM_001370404.1); and 1 more; short protein forms S1454N, S1339N, S1387N, S1388N, S1398N, S1431N, S1210N, S1410N.
Identifiers: ClinVar variation 579637 (VCV000579637.10), dbSNP rs758233186, ClinGen allele CA394301658.